The following is an entry in ClinVar:

NM_004826.4(ECEL1):c.2276A>C (p.His759Pro)

Gene: ECEL1 (endothelin converting enzyme like 1; minus strand). Cytogenetic location: 2q37.1.
Variant type: single nucleotide variant.
Coding change: c.2276A>C on transcript NM_004826.4 (MANE Select); coding-DNA position 2276, A replaced by C.
Protein change: p.His759Pro; replaces histidine 759 with proline.
Molecular consequence: missense variant.
Genome position (GRCh38, 1-based): chr2:232,480,205, T>G on the plus strand (A>C on the coding strand, the complement: ECEL1 is on the minus strand). VCF-style: chr2-232480205-T-G. GRCh37 (hg19) VCF-style: chr2-233344915-T-G.
Other names: c.2270A>C, p.His757Pro (NM_001290787.2); short protein forms H757P, H759P.
Identifiers: ClinVar variation 2663649 (VCV002663649.1), dbSNP rs765265903, ClinGen allele CA2166853.

ClinVar aggregate classification (germline): Uncertain significance (1 of 4 stars; one submission).

Allele frequency attached by ClinVar (database versions not stated): ExAC 0.00001; gnomAD exomes 0.00001.
gnomAD v4.1: 6 of 1,613,684 alleles (0.00037%); highest among the groups gnomAD compares: South Asian, 0.0055%; no homozygotes.

Submission:

GeneDx
Classification: Uncertain significance. Last evaluated: 2023-05-08. Review status: criteria provided, single submitter. Criteria: GeneDx Variant Classification Process June 2021. Collection method: clinical testing. Allele origin: germline. Affected: yes.
Comment: In silico analysis supports that this missense variant has a deleterious effect on protein structure/function; Has not been previously published as pathogenic or benign to our knowledge